The following is an entry in ClinVar:

NM_001145319.2(PLS1):c.1790G>A (p.Arg597Gln)

Gene: PLS1 (plastin 1; plus strand). Cytogenetic location: 3q23.
Variant type: single nucleotide variant.
Coding change: c.1790G>A on transcript NM_001145319.2 (MANE Select); coding-DNA position 1790, G replaced by A.
Protein change: p.Arg597Gln; replaces arginine 597 with glutamine.
Molecular consequence: missense variant.
Genome position (GRCh38, 1-based): chr3:142,711,907, G>A. VCF-style: chr3-142711907-G-A. GRCh37 (hg19) VCF-style: chr3-142430749-G-A.
Other names: c.1790G>A, p.Arg597Gln (NM_001172312.2, NM_002670.3); c.1790G>A (NM_001172312.1); short protein forms R597Q.
Identifiers: ClinVar variation 3352455 (VCV003352455.2).

ClinVar aggregate classification (germline): Uncertain significance. Review status: criteria provided, single submitter (1 of 4 stars). 2 submissions from 2 submitters: Uncertain significance (1). 1 of the submissions does not count toward it. Last evaluated 2025-05-11.

Conditions:
PLS1-related disorder. Also called: PLS1-related condition.
Inborn genetic diseases. Identifiers: MedGen C0950123, MeSH D030342.

gnomAD v4.1: 85 of 1,613,412 alleles (0.0053%); highest among the groups gnomAD compares: South Asian, 0.068%; no homozygotes.

Submissions (2):

Ambry Genetics
Classification: Uncertain significance for Inborn genetic diseases. Last evaluated: 2025-05-11. Review status: criteria provided, single submitter. Criteria: Ambry Variant Classification Scheme 2023. Collection method: clinical testing. Allele origin: germline.

PreventionGenetics, part of Exact Sciences
Classification: Likely benign for PLS1-related condition. Last evaluated: 2024-03-27. Review status: no assertion criteria provided. Collection method: clinical testing. Allele origin: germline. Not counted in ClinVar's aggregate classification.
Comment: This variant is classified as likely benign based on ACMG/AMP sequence variant interpretation guidelines (Richards et al. 2015 PMID: 25741868, with internal and published modifications).